The following is an entry in ClinVar:

NM_015915.5(ATL1):c.773A>G (p.His258Arg)

Gene: ATL1 (atlastin GTPase 1; plus strand). Cytogenetic location: 14q22.1.
Variant type: single nucleotide variant.
Coding change: c.773A>G on transcript NM_015915.5 (MANE Select); coding-DNA position 773, A replaced by G.
Protein change: p.His258Arg; replaces histidine 258 with arginine.
Molecular consequence: missense variant.
Genome position (GRCh38, 1-based): chr14:50,614,422, A>G. VCF-style: chr14-50614422-A-G. GRCh37 (hg19) VCF-style: chr14-51081140-A-G.
Other names: c.773A>G, p.His258Arg (NM_001127713.1, NM_181598.4); short protein forms H258R.
Identifiers: ClinVar variation 4348 (VCV000004348.13), dbSNP rs119476048, ClinGen allele CA340230.

ClinVar aggregate classification (germline): Pathogenic. Review status: criteria provided, multiple submitters, no conflicts (2 of 4 stars). 4 submissions from 4 submitters: Pathogenic (2). 2 of the submissions do not count toward it. Last evaluated 2025-07-31.

Conditions:
Hereditary spastic paraplegia 3A (SPG3A). Also called: SPASTIC PARAPLEGIA 3, AUTOSOMAL DOMINANT; FAMILIAL SPASTIC PARAPLEGIA, AUTOSOMAL DOMINANT, 1; SPG3; STRUMPELL DISEASE; Spastic Paraplegia 3A; Spastic paraplegia 3A, autosomal dominant. Identifiers: Orphanet 100984, MedGen C2931355, MONDO:0008437, OMIM 182600.

Submissions (4):

GeneDx
Classification: Pathogenic. Last evaluated: 2025-07-31. Review status: criteria provided, single submitter. Criteria: GeneDx Variant Classification Process June 2021. Collection method: clinical testing. Allele origin: germline. Affected: yes.
Comment: Not observed at significant frequency in large population cohorts (gnomAD); In silico analysis suggests that this missense variant does not alter protein structure/function; This variant is associated with the following publications: (PMID: 25761634, 25341883, 31594988, 32242913, 23334294, 34817557, 11685207)

Labcorp Genetics (formerly Invitae), Labcorp
Classification: Pathogenic for Hereditary spastic paraplegia 3A. Last evaluated: 2019-07-09. Review status: criteria provided, single submitter. Criteria: Invitae Variant Classification Sherloc (09022015). Collection method: clinical testing. Allele origin: germline.
Comment: This variant has been observed to segregate with hereditary spastic paraplegia in a family (PMID: 11685207). ClinVar contains an entry for this variant (Variation ID: 4348). This sequence change replaces histidine with arginine at codon 258 of the ATL1 protein (p.His258Arg). The histidine residue is highly conserved and there is a small physicochemical difference between histidine and arginine. This variant is not present in population databases (ExAC no frequency). This variant has been reported to have conflicting or insufficient data to determine the effect on ATL1 protein function (PMID: 16537571, 25761634). For these reasons, this variant has been classified as Pathogenic.

OMIM
Classification: Pathogenic for SPASTIC PARAPLEGIA 3, AUTOSOMAL DOMINANT. Last evaluated: 2001-11-01. Review status: no assertion criteria provided. Collection method: literature only. Allele origin: germline. Not counted in ClinVar's aggregate classification.

GeneReviews
No classification provided. Condition: Hereditary spastic paraplegia 3A. Review status: no classification provided. Collection method: literature only. Allele origin: unknown. Not counted in ClinVar's aggregate classification.

Literature cited by the submitters: PubMed 11685207 (cited by Labcorp Genetics (formerly Invitae), Labcorp and OMIM); PubMed 16537571 (cited by Labcorp Genetics (formerly Invitae), Labcorp); PubMed 25761634 (cited by Labcorp Genetics (formerly Invitae), Labcorp); PubMed 20862796 (cited by GeneReviews); NCBI Bookshelf NBK45978 (cited by GeneReviews).